The following is an entry in ClinVar:

ClinVar aggregate classification (germline): Uncertain significance (1 of 4 stars; one submission).

Allele frequency attached by ClinVar (database versions not stated): gnomAD 0.00001; gnomAD exomes 0.00001; TOPMed 0.00002.
gnomAD v4.1: 16 of 1,613,934 alleles (0.00099%); highest among the groups gnomAD compares: Non-Finnish European, 0.0013%; no homozygotes.

Submission:

Labcorp Genetics (formerly Invitae), Labcorp
Classification: Uncertain significance. Last evaluated: 2025-05-04. Review status: criteria provided, single submitter. Criteria: Invitae Variant Classification Sherloc (09022015). Collection method: clinical testing. Allele origin: germline.
Comment: This sequence change replaces threonine, which is neutral and polar, with methionine, which is neutral and non-polar, at codon 115 of the WBP2 protein (p.Thr115Met). This variant is not present in population databases (gnomAD no frequency). This variant has not been reported in the literature in individuals affected with WBP2-related conditions. ClinVar contains an entry for this variant (Variation ID: 1906879). Invitae Evidence Modeling of protein sequence and biophysical properties (such as structural, functional, and spatial information, amino acid conservation, physicochemical variation, residue mobility, and thermodynamic stability) indicates that this missense variant is not expected to disrupt WBP2 protein function with a negative predictive value of 80%. In summary, the available evidence is currently insufficient to determine the role of this variant in disease. Therefore, it has been classified as a Variant of Uncertain Significance.

NM_012478.4(WBP2):c.344C>T (p.Thr115Met)

Gene: WBP2 (WW domain binding protein 2; minus strand). Cytogenetic location: 17q25.1.
Variant type: single nucleotide variant.
Coding change: c.344C>T on transcript NM_012478.4 (MANE Select); coding-DNA position 344, C replaced by T.
Protein change: p.Thr115Met; replaces threonine 115 with methionine.
Molecular consequence: missense variant.
Genome position (GRCh38, 1-based): chr17:75,848,623, G>A on the plus strand (C>T on the coding strand, the complement: WBP2 is on the minus strand). VCF-style: chr17-75848623-G-A. GRCh37 (hg19) VCF-style: chr17-73844704-G-A.
Other names: c.344C>T, p.Thr115Met (NM_001330499.2, NM_001348170.1); short protein forms T115M.
Identifiers: ClinVar variation 1906879 (VCV001906879.5), dbSNP rs1386136694, ClinGen allele CA401126414.